The following is an entry in ClinVar:

ClinVar aggregate classification (germline): Likely pathogenic (1 of 4 stars; one submission).

Submission:

GeneDx
Classification: Likely pathogenic. Last evaluated: 2016-11-30. Review status: criteria provided, single submitter. Criteria: GeneDx Variant Classification (06012015). Collection method: clinical testing. Allele origin: germline. Affected: yes.
Comment: The C1263W likely pathogenic variant in the FBN1 gene has not been published as a pathogenic or benign variant to our knowledge. This variant was not observed in the Exome Aggregation Consortium or in approximately 6,500 individuals of European and African American ancestry in the NHLBI Exome Sequencing Project, indicating it is not a common benign variant in these populations. The C1263W variant is a non-conservative amino acid substitution, which is likely to impact secondary protein structure as these residues differ in polarity, charge, size and/or other properties. This substitution also occurs at a position that is conserved across species. In silico analysis predicts this variant is probably damaging to the protein structure/function. Furthermore, C1263W affects a Cysteine residue within a calcium-binding EGF-like domain of the FBN1 gene, which may affect disulfide bonding and is predicted to alter the structure and function of the protein. Cysteine substitutions in the calcium-binding EGF-like domains represent the majority of pathogenic missense changes associated with FBN1-related disorders (Collod-Beroud et al., 2003). Therefore, this variant is likely pathogenic. In order to definitively determine its clinical significance, additional data is required.

NM_000138.5(FBN1):c.3789C>G (p.Cys1263Trp)

Gene: FBN1 (fibrillin 1; minus strand). Cytogenetic location: 15q21.1.
Variant type: single nucleotide variant.
Coding change: c.3789C>G on transcript NM_000138.5 (MANE Select); coding-DNA position 3789, C replaced by G.
Protein change: p.Cys1263Trp; replaces cysteine 1263 with tryptophan.
Molecular consequence: missense variant.
Genome position (GRCh38, 1-based): chr15:48,483,867, G>C on the plus strand (C>G on the coding strand, the complement: FBN1 is on the minus strand). VCF-style: chr15-48483867-G-C. GRCh37 (hg19) VCF-style: chr15-48776064-G-C.
Other names: short protein forms C1263W.
Identifiers: ClinVar variation 373490 (VCV000373490.1), dbSNP rs1057518444, ClinGen allele CA16042964.